The following is an entry in ClinVar:

NM_138576.4(BCL11B):c.586A>C (p.Thr196Pro)

Gene: BCL11B (BCL11 transcription factor B; minus strand). Cytogenetic location: 14q32.2.
Variant type: single nucleotide variant.
Coding change: c.586A>C on transcript NM_138576.4 (MANE Select); coding-DNA position 586, A replaced by C.
Protein change: p.Thr196Pro; replaces threonine 196 with proline.
Molecular consequence: missense variant. On other transcripts: intron variant (2).
Genome position (GRCh38, 1-based): chr14:99,231,399, T>G on the plus strand (A>C on the coding strand, the complement: BCL11B is on the minus strand). VCF-style: chr14-99231399-T-G. GRCh37 (hg19) VCF-style: chr14-99697736-T-G.
Other names: c.583A>C, p.Thr195Pro (NM_001282237.2); c.424+26072A>C (NM_001282238.2); c.427+26072A>C (NM_022898.3); short protein forms T195P, T196P.
Identifiers: ClinVar variation 3720230 (VCV003720230.2).

ClinVar aggregate classification (germline): Uncertain significance (1 of 4 stars; one submission).

Submission:

Labcorp Genetics (formerly Invitae), Labcorp
Classification: Uncertain significance. Last evaluated: 2024-10-21. Review status: criteria provided, single submitter. Criteria: Invitae Variant Classification Sherloc (09022015). Collection method: clinical testing. Allele origin: germline.
Comment: This sequence change replaces threonine, which is neutral and polar, with proline, which is neutral and non-polar, at codon 196 of the BCL11B protein (p.Thr196Pro). This variant is not present in population databases (gnomAD no frequency). This variant has not been reported in the literature in individuals affected with BCL11B-related conditions. Invitae Evidence Modeling of protein sequence and biophysical properties (such as structural, functional, and spatial information, amino acid conservation, physicochemical variation, residue mobility, and thermodynamic stability) indicates that this missense variant is not expected to disrupt BCL11B protein function with a negative predictive value of 95%. In summary, the available evidence is currently insufficient to determine the role of this variant in disease. Therefore, it has been classified as a Variant of Uncertain Significance.